The following is an entry in ClinVar:

ClinVar aggregate classification (germline): Uncertain significance (1 of 4 stars; one submission).

Conditions:
Familial adenomatous polyposis 1 (FAP1). Also called: FAMILIAL ADENOMATOUS POLYPOSIS 1, ATTENUATED; POLYPOSIS, ADENOMATOUS INTESTINAL. Identifiers: MedGen C2713442, MONDO:0021056, OMIM 175100. Disease mechanism: loss of function.

Submission:

Labcorp Genetics (formerly Invitae), Labcorp
Classification: Uncertain significance for Familial adenomatous polyposis 1. Last evaluated: 2025-05-23. Review status: criteria provided, single submitter. Criteria: Invitae Variant Classification Sherloc (09022015). Collection method: clinical testing. Allele origin: germline.
Comment: This variant occurs in a non-coding region of the APC gene. It does not change the encoded amino acid sequence of the APC protein. This variant is not present in population databases (gnomAD no frequency). This variant has not been reported in the literature in individuals affected with APC-related conditions. Experimental studies and prediction algorithms are not available or were not evaluated, and the functional significance of this variant is currently unknown. In summary, the available evidence is currently insufficient to determine the role of this variant in disease. Therefore, it has been classified as a Variant of Uncertain Significance.

NM_001127511.3(APC):c.80C>G (p.Thr27Ser)

Gene: APC (APC regulator of Wnt signaling pathway; plus strand). Cytogenetic location: 5q22.2.
Variant type: single nucleotide variant.
Coding change: c.80C>G on transcript NM_001127511.3; coding-DNA position 80, C replaced by G.
Protein change: p.Thr27Ser; replaces threonine 27 with serine.
Molecular consequence: missense variant. On other transcripts: 5 prime UTR variant (8), non-coding transcript variant (1), intron variant (5).
Genome position (GRCh38, 1-based): chr5:112,707,797, C>G. VCF-style: chr5-112707797-C-G. GRCh37 (hg19) VCF-style: chr5-112043494-C-G.
Other names: c.80C>G, p.Thr27Ser (NM_001354902.2, NM_001407446.1, NM_001354897.2); c.-104C>G (NM_001407447.1, NM_001407452.1, NM_001407456.1 and 3 more transcripts); c.-1139C>G (NM_001407470.1, NM_001407472.1); c.-19+148C>G (NM_001407448.1, NM_001407450.1, NM_001407457.1 and 1 more transcripts); c.-43+148C>G (NM_001407453.1); short protein forms T27S.
Identifiers: ClinVar variation 1016218 (VCV001016218.7), dbSNP rs1400852847, ClinGen allele CA360611900.